The following is an entry in ClinVar:

NM_006852.6(TLK2):c.1195G>A (p.Ala399Thr)

Gene: TLK2 (tousled like kinase 2; plus strand). Cytogenetic location: 17q23.2.
Variant type: single nucleotide variant.
Coding change: c.1195G>A on transcript NM_006852.6 (MANE Select); coding-DNA position 1195, G replaced by A.
Protein change: p.Ala399Thr; replaces alanine 399 with threonine.
Molecular consequence: missense variant.
Genome position (GRCh38, 1-based): chr17:62,578,483, G>A. VCF-style: chr17-62578483-G-A. GRCh37 (hg19) VCF-style: chr17-60655844-G-A.
Other names: c.1195G>A (NM_006852.4); c.1261G>A, p.Ala421Thr (NM_001284333.3); c.1099G>A, p.Ala367Thr (NM_001284363.1, NM_001375272.1); c.748G>A, p.Ala250Thr (NM_001330418.3, NM_001375273.1); c.1237G>A, p.Ala413Thr (NM_001375269.1); c.1195G>A, p.Ala399Thr (NM_001375270.1, NM_001375271.1); c.910G>A, p.Ala304Thr (NM_001411074.1); short protein forms A250T, A304T, A367T, A399T, A413T, A421T.
Identifiers: ClinVar variation 3026618 (VCV003026618.23), dbSNP rs2545778350, ClinGen allele CA400503316.

ClinVar aggregate classification (germline): Uncertain significance. Review status: criteria provided, multiple submitters, no conflicts (2 of 4 stars). 2 submissions from 2 submitters: Uncertain significance (2). Last evaluated 2023-12-01.

Conditions:
Intellectual developmental disorder, autosomal dominant 57. Also called: MENTAL RETARDATION, AUTOSOMAL DOMINANT 57; Intellectual disability, autosomal dominant 57. Identifiers: MedGen C4748003, MONDO:0054837, OMIM 618050.

Submissions (2):

CeGaT Center for Human Genetics Tuebingen
Classification: Uncertain significance. Last evaluated: 2023-12-01. Review status: criteria provided, single submitter. Criteria: CeGaT Center For Human Genetics Tuebingen Variant Classification Criteria Version 2. Collection method: clinical testing. Allele origin: germline. Affected: yes. Observed: 1 variant allele.
Comment: TLK2: PM2, PP2

Pittsburgh Clinical Genomics Laboratory, University of Pittsburgh Medical Center
Classification: Uncertain significance for Intellectual developmental disorder, autosomal dominant 57. Last evaluated: 2022-03-29. Review status: criteria provided, single submitter. Criteria: ACMG Guidelines, 2015. Collection method: clinical testing. Allele origin: germline. Inheritance: Autosomal dominant inheritance. Affected: yes.
Comment: This sequence variant is a single nucleotide substitution (G>A) at position 1195 of the coding sequence of the TLK2 gene that results in an alanine to threonine amino acid change at residue 399 of the TLK2 encoded Tousled-like kise 2 protein. This variant is absent from control population datasets (gnomAD database, 0 of approximately 250,000 alleles) and online datasets of clinically annotated variants (ClinVar). To our knowledge, this variant has not been observed in publications in individuals with TLK2 -related disease. Multiple bioinformatic tools predict that this alanine to threonine amino acid change would be damaging, and the alanine residue is strongly conserved at this position across the vertebrate species examined. Studies examining the functiol consequence of this variant have not been published, to our knowledge. At this time, there is insufficient evidence to determine if this variant is pathogenic or benign. Therefore, we consider this a variant of uncertain significance. ACMG Criteria: PM2, PP2, PP3